The following is an entry in ClinVar:

ClinVar aggregate classification (germline): Benign/Likely benign. Review status: criteria provided, multiple submitters, no conflicts (2 of 4 stars). 11 submissions from 11 submitters: Benign (6); Likely benign (3). 2 of the submissions do not count toward it. Last evaluated 2026-02-04.

Conditions:
Familial dysautonomia. Also called: FD; HSAN III. Identifiers: Orphanet 1764, MedGen C0013364, MONDO:0009131, OMIM 223900. Disease mechanism: loss of function.

Allele frequency attached by ClinVar (database versions not stated): 1000 Genomes Project 30x 0.01156; 1000 Genomes Project 0.01158; gnomAD exomes 0.01895 and 0.02239; TOPMed 0.02000; ExAC 0.02046; gnomAD 0.02119 and 0.02197; ESP Exome Variant Server 0.02207.
gnomAD v4.1: 35,734 of 1,613,956 alleles (2.2%); highest among the groups gnomAD compares: Non-Finnish European, 2.5%; 478 homozygotes.

Submissions (11):

Labcorp Genetics (formerly Invitae), Labcorp
Classification: Benign. Last evaluated: 2026-02-04. Review status: criteria provided, single submitter. Criteria: Invitae Variant Classification Sherloc (09022015). Collection method: clinical testing. Allele origin: germline.

ARUP Laboratories, Molecular Genetics and Genomics, ARUP Laboratories
Classification: Benign. Last evaluated: 2025-04-21. Review status: criteria provided, single submitter. Criteria: ARUP Molecular Germline Variant Investigation Process 2024. Collection method: clinical testing. Allele origin: germline.

Mayo Clinic Laboratories, Mayo Clinic
Classification: Benign. Last evaluated: 2023-06-08. Review status: criteria provided, single submitter. Criteria: ACMG Guidelines, 2015. Collection method: clinical testing. Allele origin: germline. Observed: 88 variant alleles.
Comment: BS1, BS2, BP4

Women's Health and Genetics/Laboratory Corporation of America, LabCorp
Classification: Likely benign. Last evaluated: 2023-03-28. Review status: criteria provided, single submitter. Criteria: LabCorp Variant Classification Summary - May 2015. Collection method: clinical testing. Allele origin: germline.

Genome-Nilou Lab
Classification: Benign for Familial dysautonomia. Last evaluated: 2021-05-18. Review status: criteria provided, single submitter. Criteria: ACMG Guidelines, 2015. Collection method: clinical testing. Allele origin: germline. Affected: no.

Illumina Laboratory Services, Illumina
Classification: Likely benign for Familial dysautonomia. Last evaluated: 2018-01-13. Review status: criteria provided, single submitter. Criteria: ICSL Variant Classification Criteria 13 December 2019. Collection method: clinical testing. Allele origin: germline.
Comment: This variant was observed in the ICSL laboratory as part of a predisposition screen in an ostensibly healthy population. It had not been previously curated by ICSL or reported in the Human Gene Mutation Database (HGMD: prior to June 1st, 2018), and was therefore a candidate for classification through an automated scoring system. Utilizing variant allele frequency, disease prevalence and penetrance estimates, and inheritance mode, an automated score was calculated to assess if this variant is too frequent to cause the disease. Based on the score and internal cut-off values, a variant classified as likely benign is not then subjected to further curation. The score for this variant resulted in a classification of likely benign for this disease.

Genome Diagnostics Laboratory, University Medical Center Utrecht
Classification: Benign for Familial dysautonomia. Last evaluated: 2014-10-09. Review status: criteria provided, single submitter. Criteria: ACGS Guidelines, 2013. Collection method: clinical testing. Allele origin: germline. Affected: yes. Study: VKGL Data-share Consensus.

GeneDx
Classification: Benign. Last evaluated: 2014-04-03. Review status: criteria provided, single submitter. Criteria: GeneDx Variant Classification (06012015). Collection method: clinical testing. Allele origin: germline. Affected: yes.
Comment: This variant is considered likely benign or benign based on one or more of the following criteria: it is a conservative change, it occurs at a poorly conserved position in the protein, it is predicted to be benign by multiple in silico algorithms, and/or has population frequency not consistent with disease.

Breakthrough Genomics
Classification: Likely benign. Review status: criteria provided, single submitter. Criteria: ACMG Guidelines, 2015. Collection method: not provided. Allele origin: germline. Inheritance: Autosomal recessive inheritance. Affected: yes.

Natera, Inc.
Classification: Benign for Hereditary sensory and autonomic neuropathy type III. Last evaluated: 2020-04-14. Review status: no assertion criteria provided. Collection method: clinical testing. Allele origin: germline. Not counted in ClinVar's aggregate classification.

Clinical Genetics, Academic Medical Center
Classification: Benign. Review status: no assertion criteria provided. Collection method: clinical testing. Allele origin: germline. Affected: yes. Study: VKGL Data-share Consensus. Not counted in ClinVar's aggregate classification.

NM_003640.5(ELP1):c.934G>A (p.Glu312Lys)

Gene: ELP1 (elongator acetyltransferase complex subunit 1; minus strand). Cytogenetic location: 9q31.3.
Variant type: single nucleotide variant.
Coding change: c.934G>A on transcript NM_003640.5 (MANE Select); coding-DNA position 934, G replaced by A.
Protein change: p.Glu312Lys; replaces glutamic acid 312 with lysine.
Molecular consequence: missense variant. On other transcripts: 5 prime UTR variant (1).
Genome position (GRCh38, 1-based): chr9:108,916,228, C>T on the plus strand (G>A on the coding strand, the complement: ELP1 is on the minus strand). VCF-style: chr9-108916228-C-T. GRCh37 (hg19) VCF-style: chr9-111678508-C-T.
Other names: p.E312K:GAA>AAA; c.934G>A (LRG_251t1, NM_003640.4); c.592G>A, p.Glu198Lys (NM_001318360.2); c.-114G>A (NM_001330749.2); short protein forms E312K, E198K.
Identifiers: ClinVar variation 137571 (VCV000137571.36), dbSNP rs1140064, ClinGen allele CA291210.